The following is an entry in ClinVar:

NM_170601.5(SIAE):c.967-1del

Gene: SIAE (sialic acid acetylesterase; minus strand). Cytogenetic location: 11q24.2.
Variant type: Deletion.
Coding change: c.967-1del on transcript NM_170601.5 (MANE Select); the canonical splice acceptor site of the intron before coding-DNA position 967, one base deleted (G; older notation c.967-1delG).
Molecular consequence: splice acceptor variant.
Genome position (GRCh38, 1-based): chr11:124,639,868, C deleted on the plus strand (G on the coding strand, the reverse complement: SIAE is on the minus strand). VCF-style (leftmost placement, unchanged base first): chr11-124639867-AC-A. GRCh37 (hg19) VCF-style: chr11-124509763-AC-A.
Other names: c.862-1del (NM_001199922.2).
Identifiers: ClinVar variation 1011179 (VCV001011179.7), dbSNP rs1942816261, ClinGen allele CA2006321371.

ClinVar aggregate classification (germline): Uncertain significance (1 of 4 stars; one submission).

Submission:

Labcorp Genetics (formerly Invitae), Labcorp
Classification: Uncertain significance. Last evaluated: 2022-02-03. Review status: criteria provided, single submitter. Criteria: Invitae Variant Classification Sherloc (09022015). Collection method: clinical testing. Allele origin: germline.
Comment: In summary, the available evidence is currently insufficient to determine the role of this variant in disease. Therefore, it has been classified as a Variant of Uncertain Significance. Algorithms developed to predict the effect of sequence changes on RNA splicing suggest that this variant may disrupt the consensus splice site. ClinVar contains an entry for this variant (Variation ID: 1011179). This variant has not been reported in the literature in individuals affected with SIAE-related conditions. This variant is not present in population databases (gnomAD no frequency). This sequence change affects a splice site in intron 7 of the SIAE gene. It is expected to disrupt RNA splicing. Variants that disrupt the donor or acceptor splice site typically lead to a loss of protein function (PMID: 16199547), however the current clinical and genetic evidence is not sufficient to establish whether loss-of-function variants in SIAE cause disease.

Literature cited by the submitters: PubMed 16199547.